The following is an entry in ClinVar:

NM_015272.5(RPGRIP1L):c.2978A>C (p.Glu993Ala)

Gene: RPGRIP1L (RPGRIP1 like; minus strand). Cytogenetic location: 16q12.2.
Variant type: single nucleotide variant.
Coding change: c.2978A>C on transcript NM_015272.5 (MANE Select); coding-DNA position 2978, A replaced by C.
Protein change: p.Glu993Ala; replaces glutamic acid 993 with alanine.
Molecular consequence: missense variant. On other transcripts: intron variant (2).
Genome position (GRCh38, 1-based): chr16:53,638,392, T>G on the plus strand (A>C on the coding strand, the complement: RPGRIP1L is on the minus strand). VCF-style: chr16-53638392-T-G. GRCh37 (hg19) VCF-style: chr16-53672304-T-G.
Other names: c.2978A>C (NM_015272.4); c.2978A>C, p.Glu993Ala (NM_001308334.3); c.2959-538A>C (NM_001127897.4, NM_001330538.2); short protein forms E993A.
Identifiers: ClinVar variation 4156444 (VCV004156444.2).

ClinVar aggregate classification (germline): Uncertain significance. Review status: criteria provided, multiple submitters, no conflicts (2 of 4 stars). 2 submissions from 2 submitters: Uncertain significance (2). Last evaluated 2026-07-17.

Conditions:
RPGRIP1L-related disorder. Also called: RPGRIP1L-related condition; RPGRIP1L-related disorders. Identifiers: MedGen CN239416.
Inborn genetic diseases. Identifiers: MedGen C0950123, MeSH D030342.

gnomAD v4.1: 39 of 1,575,064 alleles (0.0025%); highest among the groups gnomAD compares: Admixed American, 0.0033%; 1 homozygote.

Submissions (2):

PreventionGenetics, part of Exact Sciences
Classification: Uncertain significance for RPGRIP1L-related condition. Last evaluated: 2026-07-17. Review status: criteria provided, single submitter. Criteria: ACMG Guidelines, 2015. Collection method: clinical testing. Allele origin: germline.
Comment: The RPGRIP1L c.2978A>C variant is predicted to result in the amino acid substitution p.Glu993Ala. To our knowledge, this variant has not been reported in the literature. This variant is reported in 0.0029% of alleles in individuals of Latino descent in gnomAD. This variant is predicted to alter splicing based on available splicing prediction programs (SpliceAI, Jaganathan et al. 2019. PubMed ID: 30661751). However, the use of computer prediction programs is not equivalent to functional evidence. At this time, the clinical significance of this variant is uncertain due to the absence of conclusive functional and genetic evidence.

Ambry Genetics
Classification: Uncertain significance for Inborn genetic diseases. Last evaluated: 2025-06-16. Review status: criteria provided, single submitter. Criteria: Ambry Variant Classification Scheme 2023. Collection method: clinical testing. Allele origin: germline.